The following is an entry in ClinVar:

NM_001267550.2(TTN):c.106398T>C (p.Tyr35466=)

Genes: TTN-AS1 (TTN antisense RNA 1; plus strand), TTN (titin; minus strand). Cytogenetic location: 2q31.2.
Variant type: single nucleotide variant.
Coding change: c.106398T>C on transcript NM_001267550.2 (MANE Select); coding-DNA position 106398, T replaced by C.
Protein change: p.Tyr35466=; no amino-acid change (tyrosine 35466 retained).
Molecular consequence: synonymous variant.
Genome position (GRCh38, 1-based): chr2:178,530,093, A>G on the plus strand (T>C on the coding strand, the complement: TTN is on the minus strand). VCF-style: chr2-178530093-A-G. GRCh37 (hg19) VCF-style: chr2-179394820-A-G.
Other names: c.101475T>C, p.Tyr33825= (NM_001256850.1); c.79203T>C, p.Tyr26401= (NM_003319.4); c.98694T>C, p.Tyr32898= (NM_133378.4); c.79578T>C, p.Tyr26526= (NM_133432.3); c.79779T>C, p.Tyr26593= (NM_133437.4).
Identifiers: ClinVar variation 997865 (VCV000997865.9), dbSNP rs1553482820, ClinGen allele CA430094026.

ClinVar aggregate classification (germline): Likely benign. Review status: criteria provided, multiple submitters, no conflicts (2 of 4 stars). 4 submissions from 4 submitters: Likely benign (4). Last evaluated 2025-12-07.

Conditions:
Cardiovascular phenotype. Identifiers: MedGen CN230736.
Dilated cardiomyopathy 1G (CMD1G). Identifiers: Orphanet 154, MedGen C1858763, MONDO:0011400, OMIM 604145.
Autosomal recessive limb-girdle muscular dystrophy type 2J (LGMDR10). Also called: MUSCULAR DYSTROPHY, LIMB-GIRDLE, AUTOSOMAL RECESSIVE 10; Limb-girdle muscular dystrophy, type 2J. Identifiers: Orphanet 140922, MedGen C1837342, MONDO:0012127, OMIM 608807.

Allele frequency attached by ClinVar (database versions not stated): gnomAD exomes below 0.00001 and 0.00001.
gnomAD v4.1: 9 of 1,605,618 alleles (0.00056%); highest among the groups gnomAD compares: South Asian, 0.01%; no homozygotes.

Submissions (4):

Labcorp Genetics (formerly Invitae), Labcorp
Classification: Likely benign for Dilated cardiomyopathy 1G; Autosomal recessive limb-girdle muscular dystrophy type 2J. Last evaluated: 2025-12-07. Review status: criteria provided, single submitter. Criteria: Invitae Variant Classification Sherloc (09022015). Collection method: clinical testing. Allele origin: germline.

Molecular Diagnostic Laboratory for Inherited Cardiovascular Disease, Montreal Heart Institute
Classification: Likely benign. Last evaluated: 2025-04-09. Review status: criteria provided, single submitter. Criteria: ACMG Guidelines, 2015. Collection method: clinical testing. Allele origin: germline. Affected: no.
Comment: BP7

Women's Health and Genetics/Laboratory Corporation of America, LabCorp
Classification: Likely benign. Last evaluated: 2021-02-01. Review status: criteria provided, single submitter. Criteria: LabCorp Variant Classification Summary - May 2015. Collection method: clinical testing. Allele origin: germline.

Ambry Genetics
Classification: Likely benign for Cardiovascular phenotype. Last evaluated: 2020-03-06. Review status: criteria provided, single submitter. Criteria: Ambry Variant Classification Scheme 2023. Collection method: clinical testing. Allele origin: germline.